The following is an entry in ClinVar:

ClinVar aggregate classification (germline): Likely benign (1 of 4 stars; one submission).

gnomAD v4.1: 26 of 1,614,128 alleles (0.0016%); highest among the groups gnomAD compares: Non-Finnish European, 0.0022%; no homozygotes.

Submission:

Women's Health and Genetics/Laboratory Corporation of America, LabCorp
Classification: Likely benign. Last evaluated: 2025-05-09. Review status: criteria provided, single submitter. Criteria: LabCorp Variant Classification Summary - May 2015. Collection method: clinical testing. Allele origin: germline.
Comment: Variant summary: IGF1R c.3627C>G alters a conserved nucleotide resulting in a synonymous change. Consensus agreement among computation tools predict no significant impact on normal splicing. However, these predictions have yet to be confirmed by functional studies. The variant allele was found at a frequency of 4e-06 in 251436 control chromosomes. The available data on variant occurrences in the general population are insufficient to allow any conclusion about variant significance. To our knowledge, no occurrence of c.3627C>G in individuals affected with Growth Delay Due To Insulin-Like Growth Factor I Resistance and no experimental evidence demonstrating its impact on protein function have been reported. No submitters have cited clinical-significance assessments for this variant to ClinVar. Based on the evidence outlined above, the variant was classified as likely benign.

NM_000875.5(IGF1R):c.3627C>G (p.Ala1209=)

Gene: IGF1R (insulin like growth factor 1 receptor; plus strand). Cytogenetic location: 15q26.3.
Variant type: single nucleotide variant.
Coding change: c.3627C>G on transcript NM_000875.5 (MANE Select); coding-DNA position 3627, C replaced by G.
Protein change: p.Ala1209=; no amino-acid change (alanine 1209 retained).
Molecular consequence: synonymous variant.
Genome position (GRCh38, 1-based): chr15:98,948,613, C>G. VCF-style: chr15-98948613-C-G. GRCh37 (hg19) VCF-style: chr15-99491842-C-G.
Other names: c.3624C>G, p.Ala1208= (NM_001291858.2).
Identifiers: ClinVar variation 3902354 (VCV003902354.1).
Genomic context (GRCh38, chr15:98,948,613, plus strand): 5'-ACAGTTTTTTTCTCCCTGTAGGTCCTTCGGGGTCGTCCTCTGGGAGATCGCCACACTGGC[C>G]GAGCAGCCCTACCAGGGCTTGTCCAACGAGCAAGTCCTTCGCTTCGTCATGGAGGGCGGC-3'
Protein context (NP_000866.1, residues 1199-1219): GVVLWEIATL[Ala1209=]EQPYQGLSNE